The following is an entry in ClinVar:

NM_001318895.3(FHL2):c.502-1G>C

Genes: C2orf49 (chromosome 2 open reading frame 49; plus strand), FHL2 (four and a half LIM domains 2; minus strand). Cytogenetic location: 2q12.2.
Variant type: single nucleotide variant.
Coding change: c.502-1G>C on transcript NM_001318895.3 (MANE Select); the canonical splice acceptor site of the intron before coding-DNA position 502, G replaced by C.
Molecular consequence: splice acceptor variant.
Genome position (GRCh38, 1-based): chr2:105,363,472, C>G on the plus strand (G>C on the coding strand, the complement: FHL2 is on the minus strand). VCF-style: chr2-105363472-C-G. GRCh37 (hg19) VCF-style: chr2-105979929-C-G.
Other names: c.160-1G>C (NM_001318897.2, NM_001318898.2); c.502-1G>C (NM_001318896.2, NM_001039492.3, NM_001450.4 and 4 more transcripts); c.178-1G>C (NM_001318899.2).
Identifiers: ClinVar variation 1403525 (VCV001403525.6), dbSNP rs2104487265, ClinGen allele CA347998626.
Genomic context (GRCh38, chr2:105,363,472, plus strand): 5'-CACGAAGCACTCCTTGTGCCAGGGCTGCTCCCGGTAAGTGACCCCTCCCGTGGTGATGGG[C>G]TGCAGGGACGAGGGGGAGAGTTAGTGTGGCCTCTGTGCTTGGCAGACATCTTCAGTCTCA-3'

ClinVar aggregate classification (germline): Uncertain significance (1 of 4 stars; one submission).

Conditions:
Primary dilated cardiomyopathy (DCM). Also called: Dilated Cardiomyopathy. Identifiers: Orphanet 217604, MedGen C0007193, MeSH D002311, MONDO:0005021, HP:0001644. Inheritance: Various modes of inheritance.

Submission:

Labcorp Genetics (formerly Invitae), Labcorp
Classification: Uncertain significance for Primary dilated cardiomyopathy. Last evaluated: 2021-06-30. Review status: criteria provided, single submitter. Criteria: Invitae Variant Classification Sherloc (09022015). Collection method: clinical testing. Allele origin: germline.
Comment: In summary, the available evidence is currently insufficient to determine the role of this variant in disease. Therefore, it has been classified as a Variant of Uncertain Significance. This sequence change affects an acceptor splice site in intron 6 of the FHL2 gene. It is expected to disrupt RNA splicing. Variants that disrupt the donor or acceptor splice site typically lead to a loss of protein function (PMID: 16199547), however the current clinical and genetic evidence is not sufficient to establish whether loss-of-function variants in FHL2 cause disease. Algorithms developed to predict the effect of sequence changes on RNA splicing suggest that this variant may disrupt the consensus splice site. This variant has not been reported in the literature in individuals affected with FHL2-related conditions. This variant is not present in population databases (ExAC no frequency).

Literature cited by the submitters: PubMed 16199547.